The following is an entry in ClinVar:

ClinVar aggregate classification (germline): Uncertain significance. Review status: criteria provided, multiple submitters, no conflicts (2 of 4 stars). 2 submissions from 2 submitters: Uncertain significance (2). Last evaluated 2026-01-18.

Conditions:
Hereditary cancer-predisposing syndrome. Also called: Neoplastic Syndromes, Hereditary; Tumor predisposition; Hereditary Cancer Syndrome; Hereditary neoplastic syndrome. Identifiers: Orphanet 140162, MedGen C0027672, MeSH D009386, MONDO:0015356.
Retinoblastoma (RB1). Also called: RETINOBLASTOMA, SOMATIC. Identifiers: Orphanet 790, MedGen C0035335, MeSH D012175, MONDO:0008380, OMIM 180200, HP:0009919. Disease mechanism: loss of function. Inheritance: Both sporadic and heritable forms are tested..

Submissions (2):

Ambry Genetics
Classification: Uncertain significance for Hereditary cancer-predisposing syndrome. Last evaluated: 2026-01-18. Review status: criteria provided, single submitter. Criteria: Ambry Variant Classification Scheme 2023. Collection method: clinical testing. Allele origin: germline.
Comment: The p.T645I variant (also known as c.1934C>T), located in coding exon 19 of the RB1 gene, results from a C to T substitution at nucleotide position 1934. The threonine at codon 645 is replaced by isoleucine, an amino acid with similar properties. This amino acid position is conserved. In addition, the in silico prediction for this alteration is inconclusive. Based on the available evidence, the clinical significance of this variant remains unclear.

Labcorp Genetics (formerly Invitae), Labcorp
Classification: Uncertain significance for Retinoblastoma. Last evaluated: 2021-04-16. Review status: criteria provided, single submitter. Criteria: Invitae Variant Classification Sherloc (09022015). Collection method: clinical testing. Allele origin: germline.
Comment: In summary, the available evidence is currently insufficient to determine the role of this variant in disease. Therefore, it has been classified as a Variant of Uncertain Significance. Algorithms developed to predict the effect of missense changes on protein structure and function are either unavailable or do not agree on the potential impact of this missense change (SIFT: "Deleterious"; PolyPhen-2: "Benign"; Align-GVGD: "Class C15"). This variant has not been reported in the literature in individuals with RB1-related conditions. This variant is not present in population databases (ExAC no frequency). This sequence change replaces threonine with isoleucine at codon 645 of the RB1 protein (p.Thr645Ile). The threonine residue is highly conserved and there is a moderate physicochemical difference between threonine and isoleucine.

NM_000321.3(RB1):c.1934C>T (p.Thr645Ile)

Gene: RB1 (RB transcriptional corepressor 1; plus strand). Cytogenetic location: 13q14.2.
Variant type: single nucleotide variant.
Coding change: c.1934C>T on transcript NM_000321.3 (MANE Select); coding-DNA position 1934, C replaced by T.
Protein change: p.Thr645Ile; replaces threonine 645 with isoleucine.
Molecular consequence: missense variant.
Genome position (GRCh38, 1-based): chr13:48,456,323, C>T. VCF-style: chr13-48456323-C-T. GRCh37 (hg19) VCF-style: chr13-49030459-C-T.
Other names: c.1934C>T (NM_000321.2); short protein forms T645I.
Identifiers: ClinVar variation 1421835 (VCV001421835.9), dbSNP rs2138331549, ClinGen allele CA388166205.
Genomic context (GRCh38, chr13:48,456,323, plus strand): 5'-CTGCAAATGCAGAGACACAAGCAACCTCAGCCTTCCAGACCCAGAAGCCATTGAAATCTA[C>T]CTCTCTTTCACTGTTTTATAAAAAAGGTTAGTAGATGATTATTTTCAAGAGCATGGACTC-3'
Protein context (NP_000312.2, residues 635-655): AFQTQKPLKS[Thr645Ile]SLSLFYKKVY